The following is an entry in ClinVar:

NM_000064.4(C3):c.1277C>T (p.Thr426Met)

Gene: C3 (complement C3; minus strand). Cytogenetic location: 19p13.3.
Variant type: single nucleotide variant.
Coding change: c.1277C>T on transcript NM_000064.4 (MANE Select); coding-DNA position 1277, C replaced by T.
Protein change: p.Thr426Met; replaces threonine 426 with methionine.
Molecular consequence: missense variant.
Genome position (GRCh38, 1-based): chr19:6,711,189, G>A on the plus strand (C>T on the coding strand, the complement: C3 is on the minus strand). VCF-style: chr19-6711189-G-A. GRCh37 (hg19) VCF-style: chr19-6711200-G-A.
Other names: short protein forms T426M.
Identifiers: ClinVar variation 1347811 (VCV001347811.6), dbSNP rs750670528, ClinGen allele CA9129493.

ClinVar aggregate classification (germline): Uncertain significance (1 of 4 stars; one submission).

Allele frequency attached by ClinVar (database versions not stated): gnomAD exomes below 0.00001; ExAC 0.00001; gnomAD 0.00001; TOPMed 0.00002.
gnomAD v4.1: 3 of 1,612,192 alleles (0.00019%); highest among the groups gnomAD compares: African/African-American, 0.0013%; no homozygotes.

Submission:

Labcorp Genetics (formerly Invitae), Labcorp
Classification: Uncertain significance. Last evaluated: 2024-10-14. Review status: criteria provided, single submitter. Criteria: Invitae Variant Classification Sherloc (09022015). Collection method: clinical testing. Allele origin: germline.
Comment: This sequence change replaces threonine, which is neutral and polar, with methionine, which is neutral and non-polar, at codon 426 of the C3 protein (p.Thr426Met). This variant is present in population databases (rs750670528, gnomAD 0.007%). This variant has not been reported in the literature in individuals affected with C3-related conditions. ClinVar contains an entry for this variant (Variation ID: 1347811). Invitae Evidence Modeling of protein sequence and biophysical properties (such as structural, functional, and spatial information, amino acid conservation, physicochemical variation, residue mobility, and thermodynamic stability) indicates that this missense variant is expected to disrupt C3 protein function with a positive predictive value of 80%. In summary, the available evidence is currently insufficient to determine the role of this variant in disease. Therefore, it has been classified as a Variant of Uncertain Significance.